The following is an entry in ClinVar:

ClinVar aggregate classification (germline): Benign/Likely benign. Review status: criteria provided, multiple submitters, no conflicts (2 of 4 stars). 3 submissions from 3 submitters: Benign (1); Likely benign (2). Last evaluated 2025-12-08.

Conditions:
Multiple endocrine neoplasia type 2A. Also called: MULTIPLE ENDOCRINE NEOPLASIA, TYPE IIA; PTC SYNDROME; SIPPLE SYNDROME; MEN 2A; MEN-2A syndrome; Pheochromocytoma and amyloid producing medullary thyroid carcinoma. Identifiers: Orphanet 247698, Orphanet 653, MedGen C0025268, MeSH D018813, MONDO:0008234, OMIM 171400.
Multiple endocrine neoplasia, type 2 (MEN2). Identifiers: Orphanet 653, MedGen C4048306, MONDO:0019003. Disease mechanism: gain of function.
Hereditary cancer-predisposing syndrome. Also called: Hereditary neoplastic syndrome; Neoplastic Syndromes, Hereditary; Tumor predisposition; Hereditary Cancer Syndrome. Identifiers: Orphanet 140162, MedGen C0027672, MeSH D009386, MONDO:0015356.

Allele frequency attached by ClinVar (database versions not stated): gnomAD exomes below 0.00001.
gnomAD v4.1: 13 of 1,613,460 alleles (0.00081%); highest among the groups gnomAD compares: Non-Finnish European, 0.0011%; no homozygotes.

Submissions (3):

Labcorp Genetics (formerly Invitae), Labcorp
Classification: Likely benign for Multiple endocrine neoplasia, type 2. Last evaluated: 2025-12-08. Review status: criteria provided, single submitter. Criteria: Invitae Variant Classification Sherloc (09022015). Collection method: clinical testing. Allele origin: germline.

Myriad Genetics, Inc.
Classification: Benign for Multiple endocrine neoplasia type 2A. Last evaluated: 2025-02-27. Review status: criteria provided, single submitter. Criteria: Myriad Autosomal Dominant, Autosomal Recessive and X-Linked Classification Criteria (2023). Collection method: clinical testing. Allele origin: unknown.
Comment: This variant is considered benign. This variant is a silent/synonymous amino acid change and it is not expected to impact splicing.

Ambry Genetics
Classification: Likely benign for Hereditary cancer-predisposing syndrome. Last evaluated: 2021-03-23. Review status: criteria provided, single submitter. Criteria: Ambry Variant Classification Scheme 2023. Collection method: clinical testing. Allele origin: germline.

NM_020975.6(RET):c.2787C>A (p.Thr929=)

Gene: RET (ret proto-oncogene; plus strand). Cytogenetic location: 10q11.21.
Variant type: single nucleotide variant.
Coding change: c.2787C>A on transcript NM_020975.6 (MANE Select); coding-DNA position 2787, C replaced by A.
Protein change: p.Thr929=; no amino-acid change (threonine 929 retained).
Molecular consequence: synonymous variant.
Genome position (GRCh38, 1-based): chr10:43,122,002, C>A. VCF-style: chr10-43122002-C-A. GRCh37 (hg19) VCF-style: chr10-43617450-C-A.
Other names: c.2787C>A, p.Thr929= (NM_000323.2, NM_001406743.1, NM_001406744.1 and 4 more transcripts); c.2025C>A, p.Thr675= (NM_001355216.2); c.2658C>A, p.Thr886= (NM_001406761.1, NM_001406762.1, NM_001406764.1); c.2652C>A, p.Thr884= (NM_001406763.1, NM_001406765.1); c.2499C>A, p.Thr833= (NM_001406766.1, NM_001406767.1, NM_001406770.1); c.2523C>A, p.Thr841= (NM_001406768.1); c.2391C>A, p.Thr797= (NM_001406769.1, NM_001406772.1); c.2349C>A, p.Thr783= (NM_001406771.1, NM_001406773.1); and 10 more.
Identifiers: ClinVar variation 1125636 (VCV001125636.13), dbSNP rs747648232, ClinGen allele CA206267153.
Genomic context (GRCh38, chr10:43,122,002, plus strand): 5'-TTAGGGTCGGATTCCAGTTAAATGGATGGCAATTGAATCCCTTTTTGATCATATCTACAC[C>A]ACGCAAAGTGATGTGTAAGTGTGGGTGTTGCTCTCTTGGGGTGGAGGTTACAGAAACACC-3'
Protein context (NP_066124.1, residues 919-939): AIESLFDHIY[Thr929=]TQSDVWSFGV